The following is an entry in ClinVar:

NM_024675.4(PALB2):c.3063G>T (p.Gly1021=)

Gene: PALB2 (partner and localizer of BRCA2; minus strand). Cytogenetic location: 16p12.2.
Variant type: single nucleotide variant.
Coding change: c.3063G>T on transcript NM_024675.4 (MANE Select); coding-DNA position 3063, G replaced by T.
Protein change: p.Gly1021=; no amino-acid change (glycine 1021 retained).
Molecular consequence: synonymous variant.
Genome position (GRCh38, 1-based): chr16:23,621,412, C>A on the plus strand (G>T on the coding strand, the complement: PALB2 is on the minus strand). VCF-style: chr16-23621412-C-A. GRCh37 (hg19) VCF-style: chr16-23632733-C-A.
Identifiers: ClinVar variation 830188 (VCV000830188.1), dbSNP rs1966769912, ClinGen allele CA494180159.

ClinVar aggregate classification (germline): Uncertain significance (0 of 4 stars; one submission).

Submission:

Leiden Open Variation Database
Classification: Uncertain significance. Last evaluated: 2018-08-25. Review status: no assertion criteria provided. Collection method: curation. Allele origin: germline. Affected: yes.
Comment: Curators: Marc Tischkowitz, Arleen D. Auerbach. Submitter to LOVD: Yukihide Momozawa.

Literature cited by the submitters: PubMed 30287823.